The following is an entry in ClinVar:

NM_001166114.2(PNPLA6):c.3699+9G>A

Gene: PNPLA6 (patatin like domain 6, lysophospholipase; plus strand). Cytogenetic location: 19p13.2.
Variant type: single nucleotide variant.
Coding change: c.3699+9G>A on transcript NM_001166114.2 (MANE Select); 9 bases into the intron after coding-DNA position 3699, G replaced by A.
Molecular consequence: intron variant.
Genome position (GRCh38, 1-based): chr19:7,559,160, G>A. VCF-style: chr19-7559160-G-A. GRCh37 (hg19) VCF-style: chr19-7624046-G-A.
Other names: p.?; c.3585+9G>A (NM_006702.5, NM_001166113.1); c.3504+9G>A (NM_001166112.2); c.3729+9G>A (NM_001166111.2).
Identifiers: ClinVar variation 537337 (VCV000537337.18), dbSNP rs201144113, ClinGen allele CA9140538.

ClinVar aggregate classification (germline): Conflicting classifications of pathogenicity. Review status: criteria provided, conflicting classifications (1 of 4 stars). 4 submissions from 4 submitters: Uncertain significance (1); Likely benign (3). Last evaluated 2026-01-22.

Conditions:
Hereditary spastic paraplegia 39 (SPG39). Also called: SPASTIC PARAPLEGIA 39, AUTOSOMAL RECESSIVE; Spastic Paraplegia Type 39 (SPG39). Identifiers: Orphanet 139480, MedGen C2677586, MONDO:0012787, OMIM 612020.

Allele frequency attached by ClinVar (database versions not stated): gnomAD exomes 0.00021 and 0.00048; gnomAD 0.00023 and 0.00024; TOPMed 0.00025; ExAC 0.00028; ESP Exome Variant Server 0.00031.
gnomAD v4.1: 362 of 1,612,924 alleles (0.022%); highest among the groups gnomAD compares: Non-Finnish European, 0.005%; 1 homozygote.

Submissions (4):

Labcorp Genetics (formerly Invitae), Labcorp
Classification: Likely benign for Hereditary spastic paraplegia 39. Last evaluated: 2026-01-22. Review status: criteria provided, single submitter. Criteria: Invitae Variant Classification Sherloc (09022015). Collection method: clinical testing. Allele origin: germline.

Mayo Clinic Laboratories, Mayo Clinic
Classification: Likely benign. Last evaluated: 2025-04-22. Review status: criteria provided, single submitter. Criteria: ACMG Guidelines, 2015. Collection method: clinical testing. Allele origin: germline. Observed: 1 variant allele.
Comment: BS1, BP4, BP7

Blueprint Genetics
Classification: Likely benign. Last evaluated: 2024-10-30. Review status: criteria provided, single submitter. Criteria: ACMG Guidelines, 2015. Collection method: clinical testing. Allele origin: germline.

Illumina Laboratory Services, Illumina
Classification: Uncertain significance for Hereditary spastic paraplegia 39. Last evaluated: 2018-01-13. Review status: criteria provided, single submitter. Criteria: ICSL Variant Classification Criteria 13 December 2019. Collection method: clinical testing. Allele origin: germline.